The following is an entry in ClinVar:

NM_000138.5(FBN1):c.4544C>G (p.Pro1515Arg)

Gene: FBN1 (fibrillin 1; minus strand). Cytogenetic location: 15q21.1.
Variant type: single nucleotide variant.
Coding change: c.4544C>G on transcript NM_000138.5 (MANE Select); coding-DNA position 4544, C replaced by G.
Protein change: p.Pro1515Arg; replaces proline 1515 with arginine.
Molecular consequence: missense variant.
Genome position (GRCh38, 1-based): chr15:48,468,450, G>C on the plus strand (C>G on the coding strand, the complement: FBN1 is on the minus strand). VCF-style: chr15-48468450-G-C. GRCh37 (hg19) VCF-style: chr15-48760647-G-C.
Other names: c.4544C>G, p.Pro1515Arg (NM_001406716.1); short protein forms P1515R.
Identifiers: ClinVar variation 3751440 (VCV003751440.2).

ClinVar aggregate classification (germline): Uncertain significance (1 of 4 stars; one submission).

Conditions:
Marfan syndrome (MFS). Also called: MARFAN SYNDROME, TYPE I; Marfan syndrome type 1; Marfan's syndrome; Marfan syndrome, classic; FBN1-Related Marfan Syndrome. Identifiers: Orphanet 284963, Orphanet 558, MedGen C0024796, MONDO:0007947, OMIM 154700.
Familial thoracic aortic aneurysm and aortic dissection (TAAD). Also called: Thoracic aortic aneurysms and dissections. Identifiers: Orphanet 91387, MedGen C4707243, MONDO:0019625.

gnomAD v4.1: 1 of 1,614,146 alleles (0.000062%); highest among the groups gnomAD compares: Non-Finnish European, 0.000085%; no homozygotes.

Submission:

Labcorp Genetics (formerly Invitae), Labcorp
Classification: Uncertain significance for Marfan syndrome; Familial thoracic aortic aneurysm and aortic dissection. Last evaluated: 2024-11-19. Review status: criteria provided, single submitter. Criteria: Invitae Variant Classification Sherloc (09022015). Collection method: clinical testing. Allele origin: germline.
Comment: This sequence change replaces proline, which is neutral and non-polar, with arginine, which is basic and polar, at codon 1515 of the FBN1 protein (p.Pro1515Arg). This variant is present in population databases (rs774767316, gnomAD 0.0009%). This variant has not been reported in the literature in individuals affected with FBN1-related conditions. Invitae Evidence Modeling of protein sequence and biophysical properties (such as structural, functional, and spatial information, amino acid conservation, physicochemical variation, residue mobility, and thermodynamic stability) indicates that this missense variant is expected to disrupt FBN1 protein function with a positive predictive value of 95%. In summary, the available evidence is currently insufficient to determine the role of this variant in disease. Therefore, it has been classified as a Variant of Uncertain Significance.